The following is an entry in ClinVar:

NM_004329.3(BMPR1A):c.68-12A>G

Gene: BMPR1A (bone morphogenetic protein receptor type 1A; plus strand). Cytogenetic location: 10q23.2.
Variant type: single nucleotide variant.
Coding change: c.68-12A>G on transcript NM_004329.3 (MANE Select); 12 bases into the intron before coding-DNA position 68, A replaced by G.
Molecular consequence: intron variant.
Genome position (GRCh38, 1-based): chr10:86,890,050, A>G. VCF-style: chr10-86890050-A-G. GRCh37 (hg19) VCF-style: chr10-88649807-A-G.
Identifiers: ClinVar variation 491011 (VCV000491011.19), dbSNP rs201120747, ClinGen allele CA5585427.

ClinVar aggregate classification (germline): Benign/Likely benign. Review status: criteria provided, multiple submitters, no conflicts (2 of 4 stars). 9 submissions from 9 submitters: Benign (3); Likely benign (5). 1 of the submissions does not count toward it. Last evaluated 2026-01-31.

Conditions:
Hereditary cancer-predisposing syndrome. Also called: Tumor predisposition; Neoplastic Syndromes, Hereditary; Hereditary Cancer Syndrome; Hereditary neoplastic syndrome. Identifiers: Orphanet 140162, MedGen C0027672, MeSH D009386, MONDO:0015356.
Familial colorectal cancer type X. Identifiers: Orphanet 440437, MedGen C3896578, MONDO:0018604.
Juvenile polyposis syndrome (JPS). Identifiers: Orphanet 2929, MedGen C0345893, MONDO:0017380, OMIM 174900.

Allele frequency attached by ClinVar (database versions not stated): gnomAD 0.00003 and 0.00005; gnomAD exomes 0.00004 and 0.00012; TOPMed 0.00008; ExAC 0.00012; 1000 Genomes Project 30x 0.00031; 1000 Genomes Project 0.00040.
gnomAD v4.1: 59 of 1,612,248 alleles (0.0037%); highest among the groups gnomAD compares: East Asian, 0.12%; no homozygotes.

Submissions (9):

Labcorp Genetics (formerly Invitae), Labcorp
Classification: Benign for Juvenile polyposis syndrome. Last evaluated: 2026-01-31. Review status: criteria provided, single submitter. Criteria: Invitae Variant Classification Sherloc (09022015). Collection method: clinical testing. Allele origin: germline.

Myriad Genetics, Inc.
Classification: Benign for Juvenile polyposis syndrome. Last evaluated: 2025-01-23. Review status: criteria provided, single submitter. Criteria: Myriad Autosomal Dominant, Autosomal Recessive and X-Linked Classification Criteria (2023). Collection method: clinical testing. Allele origin: unknown.
Comment: This variant is considered benign. This variant is intronic and is not expected to impact mRNA splicing. This variant has been observed at a population frequency that is significantly greater than expected given the associated disease prevalence and penetrance.

Department of Pathology and Laboratory Medicine, Sinai Health System
Classification: Likely benign for Familial colorectal cancer type X. Last evaluated: 2024-05-27. Review status: criteria provided, single submitter. Criteria: ACMG Guidelines, 2015. Collection method: clinical testing. Allele origin: germline. Affected: yes.

All of Us Research Program, National Institutes of Health
Classification: Likely benign for Juvenile polyposis syndrome. Last evaluated: 2024-01-11. Review status: criteria provided, single submitter. Criteria: ACMG Guidelines, 2015. Collection method: clinical testing. Allele origin: germline. Inheritance: Autosomal dominant inheritance. Observed: 5 variant alleles, 5 heterozygotes.
Comment: This study involves interpretation of variants in research participants for the purpose of population health screening. Participant phenotype was not available at the time of variant classification. Additional details can be found in publication PMID: 35346344, PMCID: PMC8962531

KCCC/NGS Laboratory, Kuwait Cancer Control Center
Classification: Likely benign for Juvenile polyposis syndrome. Last evaluated: 2023-07-07. Review status: criteria provided, single submitter. Criteria: ACMG Guidelines, 2015. Collection method: clinical testing. Allele origin: germline. Affected: yes.

Sema4
Classification: Benign for Hereditary cancer-predisposing syndrome. Last evaluated: 2021-03-17. Review status: criteria provided, single submitter. Criteria: Sema4 Curation Guidelines. Collection method: curation. Allele origin: germline.

GeneDx
Classification: Likely benign. Last evaluated: 2019-01-04. Review status: criteria provided, single submitter. Criteria: GeneDx Variant Classification Process June 2021. Collection method: clinical testing. Allele origin: germline. Affected: yes.

Color Diagnostics, LLC DBA Color Health
Classification: Likely benign for Hereditary cancer-predisposing syndrome. Last evaluated: 2016-06-06. Review status: criteria provided, single submitter. Criteria: ACMG Guidelines, 2015. Collection method: clinical testing. Allele origin: germline.

Counsyl
Classification: Likely benign for Juvenile polyposis syndrome. Last evaluated: 2018-04-10. Review status: no assertion criteria provided. Collection method: clinical testing. Allele origin: unknown. Not counted in ClinVar's aggregate classification.